The following is an entry in ClinVar:

ClinVar aggregate classification (germline): Uncertain significance (1 of 4 stars; one submission).

Conditions:
Hereditary cancer-predisposing syndrome. Also called: Tumor predisposition; Hereditary neoplastic syndrome; Neoplastic Syndromes, Hereditary; Hereditary Cancer Syndrome. Identifiers: Orphanet 140162, MedGen C0027672, MeSH D009386, MONDO:0015356.

Submission:

Ambry Genetics
Classification: Uncertain significance for Hereditary cancer-predisposing syndrome. Last evaluated: 2025-04-17. Review status: criteria provided, single submitter. Criteria: Ambry Variant Classification Scheme 2023. Collection method: clinical testing. Allele origin: germline.
Comment: The p.S482W variant (also known as c.1445C>G), located in coding exon 13 of the BAP1 gene, results from a C to G substitution at nucleotide position 1445. The serine at codon 482 is replaced by tryptophan, an amino acid with highly dissimilar properties. This amino acid position is conserved. In addition, the in silico prediction for this alteration is inconclusive. Based on the available evidence, the clinical significance of this variant remains unclear.

NM_004656.4(BAP1):c.1445C>G (p.Ser482Trp)

Gene: BAP1 (BRCA1 associated deubiquitinase 1; minus strand). Cytogenetic location: 3p21.1.
Variant type: single nucleotide variant.
Coding change: c.1445C>G on transcript NM_004656.4 (MANE Select); coding-DNA position 1445, C replaced by G.
Protein change: p.Ser482Trp; replaces serine 482 with tryptophan.
Molecular consequence: missense variant.
Genome position (GRCh38, 1-based): chr3:52,403,700, G>C on the plus strand (C>G on the coding strand, the complement: BAP1 is on the minus strand). VCF-style: chr3-52403700-G-C. GRCh37 (hg19) VCF-style: chr3-52437716-G-C.
Other names: c.1391C>G, p.Ser464Trp (NM_001410772.1); short protein forms S464W, S482W.
Identifiers: ClinVar variation 3986892 (VCV003986892.1).
Genomic context (GRCh38, chr3:52,403,700, plus strand): 5'-GCACTGCCGATCTCAGAGGCCGTGTCTGTACTCTCATTGCTGGGGGTGGGTGAGGGCTGC[G>C]AGTGTGTGGGCACTGCCACAGCCGGACTCCCAGCCCCGCTGCTAGTCTTGATGGACAGAG-3'
Protein context (NP_004647.1, residues 472-492): GSPAVAVPTH[Ser482Trp]QPSPTPSNES